The following is an entry in ClinVar:

NM_001943.5(DSG2):c.1433dup (p.Thr480fs)

Gene: DSG2 (desmoglein 2; plus strand). Cytogenetic location: 18q12.1.
Variant type: Duplication.
Coding change: c.1433dup on transcript NM_001943.5 (MANE Select); coding-DNA position 1433, one base duplicated (G; older notation c.1433dupG).
Protein change: p.Thr480fs; shifts the reading frame from threonine 480.
Molecular consequence: frameshift variant.
Genome position (GRCh38, 1-based): chr18:31,536,211, G duplicated. VCF-style (leftmost placement, unchanged base first): chr18-31536210-A-AG. GRCh37 (hg19) VCF-style: chr18-29116173-A-AG.
Other names: short protein forms T480fs.
Identifiers: ClinVar variation 1918191 (VCV001918191.6), dbSNP rs2510917769, ClinGen allele CA913188954.

ClinVar aggregate classification (germline): Conflicting classifications of pathogenicity. Review status: criteria provided, conflicting classifications (1 of 4 stars). 3 submissions from 3 submitters: Pathogenic (1); Likely pathogenic (1); Uncertain significance (1). Last evaluated 2025-09-15.

Conditions:
Arrhythmogenic right ventricular cardiomyopathy (ARVD). Also called: Cardiomyopathy, ARVC; Arrhythmogenic right ventricular dysplasia; Arrhythmogenic cardiomyopathy; Arrhythmogenic Right Ventricular Cardiomyopathy (ARVC). Identifiers: Orphanet 247, MedGen C0349788, MeSH D019571, MONDO:0016587. Disease mechanism: loss of function. Inheritance: Various modes of inheritance.
Cardiomyopathy (CMYO). Also called: Cardiomyopathies. Identifiers: Orphanet 167848, MedGen C0878544, MONDO:0004994, HP:0001638. Inheritance: Various modes of inheritance.
Arrhythmogenic right ventricular dysplasia 10. Also called: Arrhythmogenic Right Ventricular Dysplasia/Cardiomyopathy10; ARRHYTHMOGENIC RIGHT VENTRICULAR DYSPLASIA, FAMILIAL, 10; Arrhythmogenic right ventricular dysplasia/cardiomyopathy, type 10. Identifiers: MedGen C1857777, MONDO:0012434, OMIM 610193.

Submissions (3):

Color Diagnostics, LLC DBA Color Health
Classification: Uncertain significance for Cardiomyopathy. Last evaluated: 2025-09-15. Review status: criteria provided, single submitter. Criteria: ACMG Guidelines, 2015. Collection method: clinical testing. Allele origin: germline.
Comment: This variant inserts 1 nucleotide in exon 11 of the DSG2 gene, creating a frameshift and premature translation stop signal. This variant is expected to result in an absent or non-functional protein product. To our knowledge, this variant has not been reported in individuals affected with DSG2-related disorders in the literature. This variant has not been identified in the general population by the Genome Aggregation Database (gnomAD). The role of loss-of-function DSG2 truncation variants in autosomal dominant cardiovascular disorders is not clearly understood. The available evidence is insufficient to determine the role of this variant in disease conclusively. Therefore, this variant is classified as a Variant of Uncertain Significance.

Labcorp Genetics (formerly Invitae), Labcorp
Classification: Pathogenic for Arrhythmogenic right ventricular dysplasia 10. Last evaluated: 2025-09-08. Review status: criteria provided, single submitter. Criteria: Invitae Variant Classification Sherloc (09022015). Collection method: clinical testing. Allele origin: germline.
Comment: This sequence change creates a premature translational stop signal (p.Thr480Asnfs*11) in the DSG2 gene. It is expected to result in an absent or disrupted protein product. Loss-of-function variants in DSG2 are known to be pathogenic (PMID: 17105751, 31386562). This variant is not present in population databases (gnomAD no frequency). This premature translational stop signal has been observed in individual(s) with DSG2-related conditions (PMID: 31638835). ClinVar contains an entry for this variant (Variation ID: 1918191). For these reasons, this variant has been classified as Pathogenic.

Laboratory for Molecular Medicine, Mass General Brigham Personalized Medicine
Classification: Likely pathogenic for Arrhythmogenic right ventricular cardiomyopathy. Last evaluated: 2019-01-28. Review status: criteria provided, single submitter. Criteria: ACMG Guidelines, 2015. Collection method: clinical testing. Allele origin: germline. Inheritance: Autosomal dominant inheritance.
Comment: proposed classification - variant undergoing re-assessment, contact laboratory

Literature cited by the submitters: PubMed 17105751 (cited by Labcorp Genetics (formerly Invitae), Labcorp); PubMed 31386562 (cited by Labcorp Genetics (formerly Invitae), Labcorp); PubMed 31638835 (cited by Labcorp Genetics (formerly Invitae), Labcorp).